The following is an entry in ClinVar:

ClinVar aggregate classification (germline): Uncertain significance (1 of 4 stars; one submission).

Allele frequency attached by ClinVar (database versions not stated): gnomAD exomes below 0.00001.
gnomAD v4.1: 1 of 1,613,488 alleles (0.000062%); highest among the groups gnomAD compares: Non-Finnish European, 0.000085%; no homozygotes.

Submission:

Labcorp Genetics (formerly Invitae), Labcorp
Classification: Uncertain significance. Last evaluated: 2024-12-31. Review status: criteria provided, single submitter. Criteria: Invitae Variant Classification Sherloc (09022015). Collection method: clinical testing. Allele origin: germline.
Comment: This sequence change replaces phenylalanine, which is neutral and non-polar, with leucine, which is neutral and non-polar, at codon 666 of the LZTR1 protein (p.Phe666Leu). This variant is not present in population databases (gnomAD no frequency). This variant has not been reported in the literature in individuals affected with LZTR1-related conditions. ClinVar contains an entry for this variant (Variation ID: 1985313). Invitae Evidence Modeling of protein sequence and biophysical properties (such as structural, functional, and spatial information, amino acid conservation, physicochemical variation, residue mobility, and thermodynamic stability) indicates that this missense variant is not expected to disrupt LZTR1 protein function with a negative predictive value of 80%. In summary, the available evidence is currently insufficient to determine the role of this variant in disease. Therefore, it has been classified as a Variant of Uncertain Significance.

NM_006767.4(LZTR1):c.1996T>C (p.Phe666Leu)

Gene: LZTR1 (leucine zipper like post translational regulator 1; plus strand). Cytogenetic location: 22q11.21.
Variant type: single nucleotide variant.
Coding change: c.1996T>C on transcript NM_006767.4 (MANE Select); coding-DNA position 1996, T replaced by C.
Protein change: p.Phe666Leu; replaces phenylalanine 666 with leucine.
Molecular consequence: missense variant.
Genome position (GRCh38, 1-based): chr22:20,995,799, T>C. VCF-style: chr22-20995799-T-C. GRCh37 (hg19) VCF-style: chr22-21350088-T-C.
Other names: short protein forms F666L.
Identifiers: ClinVar variation 1985313 (VCV001985313.4), dbSNP rs2518623898, ClinGen allele CA410779027.